The following is an entry in ClinVar:

NM_004655.4(AXIN2):c.2266G>A (p.Val756Ile)

Gene: AXIN2 (axin 2; minus strand). Cytogenetic location: 17q24.1.
Variant type: single nucleotide variant.
Coding change: c.2266G>A on transcript NM_004655.4 (MANE Select); coding-DNA position 2266, G replaced by A.
Protein change: p.Val756Ile; replaces valine 756 with isoleucine.
Molecular consequence: missense variant.
Genome position (GRCh38, 1-based): chr17:65,534,051, C>T on the plus strand (G>A on the coding strand, the complement: AXIN2 is on the minus strand). VCF-style: chr17-65534051-C-T. GRCh37 (hg19) VCF-style: chr17-63530169-C-T.
Other names: c.2071G>A, p.Val691Ile (NM_001363813.1); c.2266G>A (LRG_296t1); short protein forms V756I, V691I.
Identifiers: ClinVar variation 408800 (VCV000408800.13), dbSNP rs1060502140, ClinGen allele CA16615850.

ClinVar aggregate classification (germline): Uncertain significance. Review status: criteria provided, multiple submitters, no conflicts (2 of 4 stars). 2 submissions from 2 submitters: Uncertain significance (2). Last evaluated 2025-12-16.

Conditions:
Hereditary cancer-predisposing syndrome. Also called: Hereditary Cancer Syndrome; Hereditary neoplastic syndrome; Neoplastic Syndromes, Hereditary; Tumor predisposition. Identifiers: Orphanet 140162, MedGen C0027672, MeSH D009386, MONDO:0015356.
Oligodontia-cancer predisposition syndrome. Also called: TOOTH AGENESIS-COLORECTAL CANCER SYNDROME. Identifiers: Orphanet 300576, MedGen C1837750, MONDO:0012075, OMIM 608615. Disease mechanism: loss of function.

Allele frequency attached by ClinVar (database versions not stated): gnomAD exomes 0.00001; TOPMed 0.00001.
gnomAD v4.1: 20 of 1,614,248 alleles (0.0012%); highest among the groups gnomAD compares: Non-Finnish European, 0.0015%; no homozygotes.

Submissions (2):

Labcorp Genetics (formerly Invitae), Labcorp
Classification: Uncertain significance for Oligodontia-cancer predisposition syndrome. Last evaluated: 2025-12-16. Review status: criteria provided, single submitter. Criteria: Invitae Variant Classification Sherloc (09022015). Collection method: clinical testing. Allele origin: germline.
Comment: This sequence change replaces valine, which is neutral and non-polar, with isoleucine, which is neutral and non-polar, at codon 756 of the AXIN2 protein (p.Val756Ile). This variant is not present in population databases (gnomAD no frequency). This variant has not been reported in the literature in individuals affected with AXIN2-related conditions. ClinVar contains an entry for this variant (Variation ID: 408800). Invitae Evidence Modeling of protein sequence and biophysical properties (such as structural, functional, and spatial information, amino acid conservation, physicochemical variation, residue mobility, and thermodynamic stability) indicates that this missense variant is not expected to disrupt AXIN2 protein function with a negative predictive value of 80%. In summary, the available evidence is currently insufficient to determine the role of this variant in disease. Therefore, it has been classified as a Variant of Uncertain Significance.

Ambry Genetics
Classification: Uncertain significance for Hereditary cancer-predisposing syndrome. Last evaluated: 2024-07-29. Review status: criteria provided, single submitter. Criteria: Ambry Variant Classification Scheme 2023. Collection method: clinical testing. Allele origin: germline.
Comment: The p.V756I variant (also known as c.2266G>A), located in coding exon 9 of the AXIN2 gene, results from a G to A substitution at nucleotide position 2266. The valine at codon 756 is replaced by isoleucine, an amino acid with highly similar properties. This amino acid position is well conserved in available vertebrate species. In addition, this alteration is predicted to be tolerated by in silico analysis. Since supporting evidence is limited at this time, the clinical significance of this alteration remains unclear.